The following is an entry in ClinVar:

NM_003803.4(MYOM1):c.1871A>G (p.Gln624Arg)

Gene: MYOM1 (myomesin 1; minus strand). Cytogenetic location: 18p11.31.
Variant type: single nucleotide variant.
Coding change: c.1871A>G on transcript NM_003803.4 (MANE Select); coding-DNA position 1871, A replaced by G.
Protein change: p.Gln624Arg; replaces glutamine 624 with arginine.
Molecular consequence: missense variant.
Genome position (GRCh38, 1-based): chr18:3,149,174, T>C on the plus strand (A>G on the coding strand, the complement: MYOM1 is on the minus strand). VCF-style: chr18-3149174-T-C. GRCh37 (hg19) VCF-style: chr18-3149172-T-C.
Other names: c.1871A>G (NM_003803.3); c.1871A>G, p.Gln624Arg (NM_019856.2); short protein forms Q624R.
Identifiers: ClinVar variation 1000910 (VCV001000910.10), dbSNP rs777175291, ClinGen allele CA8874822.

ClinVar aggregate classification (germline): Uncertain significance. Review status: criteria provided, multiple submitters, no conflicts (2 of 4 stars). 2 submissions from 2 submitters: Uncertain significance (2). Last evaluated 2023-09-21.

Conditions:
Hypertrophic cardiomyopathy. Also called: HYPERTROPHIC MYOCARDIOPATHY. Identifiers: Orphanet 217569, MedGen C0007194, MeSH D002312, MONDO:0005045, HP:0001639.

Allele frequency attached by ClinVar (database versions not stated): gnomAD exomes below 0.00001 and 0.00002; gnomAD 0.00001; TOPMed 0.00001; ExAC 0.00002.
gnomAD v4.1: 7 of 1,613,804 alleles (0.00043%); highest among the groups gnomAD compares: East Asian, 0.011%; no homozygotes.

Submissions (2):

Labcorp Genetics (formerly Invitae), Labcorp
Classification: Uncertain significance for Hypertrophic cardiomyopathy. Last evaluated: 2023-09-21. Review status: criteria provided, single submitter. Criteria: Invitae Variant Classification Sherloc (09022015). Collection method: clinical testing. Allele origin: germline.
Comment: This variant is present in population databases (rs777175291, gnomAD 0.02%). This sequence change replaces glutamine, which is neutral and polar, with arginine, which is basic and polar, at codon 624 of the MYOM1 protein (p.Gln624Arg). This variant has not been reported in the literature in individuals affected with MYOM1-related conditions. In summary, the available evidence is currently insufficient to determine the role of this variant in disease. Therefore, it has been classified as a Variant of Uncertain Significance. Advanced modeling of protein sequence and biophysical properties (such as structural, functional, and spatial information, amino acid conservation, physicochemical variation, residue mobility, and thermodynamic stability) has been performed at Invitae for this missense variant, however the output from this modeling did not meet the statistical confidence thresholds required to predict the impact of this variant on MYOM1 protein function. ClinVar contains an entry for this variant (Variation ID: 1000910).

Ambry Genetics
Classification: Uncertain significance. Last evaluated: 2023-08-22. Review status: criteria provided, single submitter. Criteria: Ambry Variant Classification Scheme 2023. Collection method: clinical testing. Allele origin: germline.